The following is an entry in ClinVar:

NM_199242.3(UNC13D):c.2756C>T (p.Ser919Phe)

Genes: UNC13D (unc-13 homolog D; minus strand), LOC112533672 (Sharpr-MPRA regulatory region 1193; plus strand). Cytogenetic location: 17q25.1.
Variant type: single nucleotide variant.
Coding change: c.2756C>T on transcript NM_199242.3 (MANE Select); coding-DNA position 2756, C replaced by T.
Protein change: p.Ser919Phe; replaces serine 919 with phenylalanine.
Molecular consequence: missense variant.
Genome position (GRCh38, 1-based): chr17:75,830,436, G>A on the plus strand (C>T on the coding strand, the complement: UNC13D is on the minus strand). VCF-style: chr17-75830436-G-A. GRCh37 (hg19) VCF-style: chr17-73826517-G-A.
Other names: short protein forms S919F.
Identifiers: ClinVar variation 938282 (VCV000938282.6), dbSNP rs748410297, ClinGen allele CA8772399.
Genomic context (GRCh38, chr17:75,830,436, plus strand): 5'-GGCAGCAGGCTGGAGGCGCTGAGCAGCTCCACACGCAGCTTCTGCTCAGAGGCGCGGTAG[G>A]AGGCCTTGACTGTCACAGCCCCCAGCTCCTCAGAGGTGGTTTCTGCCTGGGGTGGGGAGC-3'
Protein context (NP_954712.1, residues 909-929): EELGAVTVKA[Ser919Phe]YRASEQKLRV

ClinVar aggregate classification (germline): Uncertain significance. Review status: criteria provided, multiple submitters, no conflicts (2 of 4 stars). 2 submissions from 2 submitters: Uncertain significance (2). Last evaluated 2023-06-27.

Conditions:
Familial hemophagocytic lymphohistiocytosis 3 (FHL3). Also called: UNC13D-Related Familial Hemophagocytic Lymphohistiocytosis (UNC13D-fHLH). Identifiers: Orphanet 540, MedGen C1837174, MONDO:0012146, OMIM 608898.

Allele frequency attached by ClinVar (database versions not stated): gnomAD 0.00001; gnomAD exomes 0.00001 and 0.00004; TOPMed 0.00001; ExAC 0.00002.
gnomAD v4.1: 12 of 1,586,210 alleles (0.00076%); highest among the groups gnomAD compares: East Asian, 0.018%; no homozygotes.

Submissions (2):

Women's Health and Genetics/Laboratory Corporation of America, LabCorp
Classification: Uncertain significance. Last evaluated: 2023-06-27. Review status: criteria provided, single submitter. Criteria: LabCorp Variant Classification Summary - May 2015. Collection method: clinical testing. Allele origin: germline.
Comment: Variant summary: UNC13D c.2756C>T (p.Ser919Phe) results in a non-conservative amino acid change in the encoded protein sequence. Three of five in-silico tools predict a damaging effect of the variant on protein function. The variant allele was found at a frequency of 4.4e-05 in 202386 control chromosomes. The available data on variant occurrences in the general population are insufficient to allow any conclusion about variant significance. c.2756C>T has been reported in the literature in at least two individuals with clinical features of UNC13D-related conditions, however these reports do not provide unequivocal conclusions about association of the variant with Familial Hemophagocytic Lymphohistiocytosis. To our knowledge, no experimental evidence demonstrating an impact on protein function has been reported. The following publication has been ascertained in the context of this evaluation (PMID: 34170459). One submitter has cited clinical-significance assessments for this variant to ClinVar after 2014 and has classified the variant as uncertain significance. Based on the evidence outlined above, the variant was classified as uncertain significance.

Labcorp Genetics (formerly Invitae), Labcorp
Classification: Uncertain significance for Familial hemophagocytic lymphohistiocytosis 3. Last evaluated: 2021-08-30. Review status: criteria provided, single submitter. Criteria: Invitae Variant Classification Sherloc (09022015). Collection method: clinical testing. Allele origin: germline.

Literature cited by the submitters: PubMed 34170459 (cited by Women's Health and Genetics/Laboratory Corporation of America, LabCorp).